The following is an entry in ClinVar:

ClinVar aggregate classification (germline): Uncertain significance. Review status: criteria provided, multiple submitters, no conflicts (2 of 4 stars). 2 submissions from 2 submitters: Uncertain significance (2). Last evaluated 2025-10-08.

Conditions:
Dilated cardiomyopathy 1HH (CMD1HH). Identifiers: Orphanet 154, MedGen C3151293, MONDO:0013479, OMIM 613881.
Myofibrillar myopathy 6. Identifiers: Orphanet 199340, MedGen C2751831, MONDO:0013061, OMIM 612954.
Cardiovascular phenotype. Identifiers: MedGen CN230736.

Allele frequency attached by ClinVar (database versions not stated): gnomAD exomes below 0.00001 and 0.00001; TOPMed 0.00001.

Submissions (2):

Labcorp Genetics (formerly Invitae), Labcorp
Classification: Uncertain significance for Dilated cardiomyopathy 1HH; Myofibrillar myopathy 6. Last evaluated: 2025-10-08. Review status: criteria provided, single submitter. Criteria: Invitae Variant Classification Sherloc (09022015). Collection method: clinical testing. Allele origin: germline.
Comment: This sequence change replaces threonine, which is neutral and polar, with alanine, which is neutral and non-polar, at codon 568 of the BAG3 protein (p.Thr568Ala). This variant is present in population databases (no rsID available, gnomAD 0.006%). This variant has not been reported in the literature in individuals affected with BAG3-related conditions. ClinVar contains an entry for this variant (Variation ID: 571474). Invitae Evidence Modeling of protein sequence and biophysical properties (such as structural, functional, and spatial information, amino acid conservation, physicochemical variation, residue mobility, and thermodynamic stability) indicates that this missense variant is not expected to disrupt BAG3 protein function with a negative predictive value of 80%. In summary, the available evidence is currently insufficient to determine the role of this variant in disease. Therefore, it has been classified as a Variant of Uncertain Significance.

Ambry Genetics
Classification: Uncertain significance for Cardiovascular phenotype. Last evaluated: 2024-06-21. Review status: criteria provided, single submitter. Criteria: Ambry Variant Classification Scheme 2023. Collection method: clinical testing. Allele origin: germline.
Comment: The p.T568A variant (also known as c.1702A>G), located in coding exon 4 of the BAG3 gene, results from an A to G substitution at nucleotide position 1702. The threonine at codon 568 is replaced by alanine, an amino acid with similar properties. This amino acid position is not well conserved in available vertebrate species, and alanine is the reference amino acid in other vertebrate species. In addition, this alteration is predicted to be tolerated by in silico analysis. Since supporting evidence is limited at this time, the clinical significance of this alteration remains unclear.

NM_004281.4(BAG3):c.1702A>G (p.Thr568Ala)

Gene: BAG3 (BAG cochaperone 3; plus strand). Cytogenetic location: 10q26.11.
Variant type: single nucleotide variant.
Coding change: c.1702A>G on transcript NM_004281.4 (MANE Select); coding-DNA position 1702, A replaced by G.
Protein change: p.Thr568Ala; replaces threonine 568 with alanine.
Molecular consequence: missense variant.
Genome position (GRCh38, 1-based): chr10:119,677,256, A>G. VCF-style: chr10-119677256-A-G. GRCh37 (hg19) VCF-style: chr10-121436768-A-G.
Other names: short protein forms T568A.
Identifiers: ClinVar variation 571474 (VCV000571474.11), dbSNP rs1407009048, ClinGen allele CA378297891.